The following is an entry in ClinVar:

NM_001273.5(CHD4):c.2514+7C>T

Gene: CHD4 (chromodomain helicase DNA binding protein 4; minus strand). Cytogenetic location: 12p13.31.
Variant type: single nucleotide variant.
Coding change: c.2514+7C>T on transcript NM_001273.5 (MANE Select); 7 bases into the intron after coding-DNA position 2514, C replaced by T.
Molecular consequence: intron variant.
Genome position (GRCh38, 1-based): chr12:6,593,409, G>A on the plus strand (C>T on the coding strand, the complement: CHD4 is on the minus strand). VCF-style: chr12-6593409-G-A. GRCh37 (hg19) VCF-style: chr12-6702575-G-A.
Other names: c.2475+7C>T (NM_001363606.2); c.2493+7C>T (NM_001297553.2).
Identifiers: ClinVar variation 5005153 (VCV005005153.2).

ClinVar aggregate classification (germline): Uncertain significance (1 of 4 stars; one submission).

Conditions:
Sifrim-Hitz-Weiss syndrome (SIHIWES). Also called: SIFRIM-HITZ-WEISS MULTIPLE CONGENITAL ANOMALIES-MENTAL RETARDATION SYNDROME; CHD4 Neurodevelopmental Disorder. Identifiers: Orphanet 653712, MedGen C4310688, MONDO:0014946, OMIM 617159.

Submission:

Juno Genomics, Hangzhou Juno Genomics, Inc
Classification: Uncertain significance for Sifrim-Hitz-Weiss syndrome. Review status: criteria provided, single submitter. Criteria: ACMG Guidelines, 2015. Collection method: clinical testing. Allele origin: germline.
Comment: Absent from controls (or at extremely low frequency if recessive) in Genome Aggregation Database.;Multiple lines of computational evidence suggest no impact on gene or gene product.